The following is an entry in ClinVar:

NM_015465.5(GEMIN5):c.2867-9T>G

Gene: GEMIN5 (gem nuclear organelle associated protein 5; minus strand). Cytogenetic location: 5q33.2.
Variant type: single nucleotide variant.
Coding change: c.2867-9T>G on transcript NM_015465.5 (MANE Select); 9 bases into the intron before coding-DNA position 2867, T replaced by G.
Molecular consequence: intron variant.
Genome position (GRCh38, 1-based): chr5:154,901,495, A>C on the plus strand (T>G on the coding strand, the complement: GEMIN5 is on the minus strand). VCF-style: chr5-154901495-A-C. GRCh37 (hg19) VCF-style: chr5-154281055-A-C.
Other names: c.2864-9T>G (NM_001252156.2).
Identifiers: ClinVar variation 3233989 (VCV003233989.2), dbSNP rs1763464671, ClinGen allele CA1083197008.

ClinVar aggregate classification (germline): Uncertain significance (1 of 4 stars; one submission).

Allele frequency attached by ClinVar (database versions not stated): gnomAD exomes below 0.00001; gnomAD 0.00001.
gnomAD v4.1: 2 of 1,612,880 alleles (0.00012%); highest among the groups gnomAD compares: Non-Finnish European, 0.00017%; no homozygotes.

Submission:

Women's Health and Genetics/Laboratory Corporation of America, LabCorp
Classification: Uncertain significance. Last evaluated: 2024-03-13. Review status: criteria provided, single submitter. Criteria: LabCorp Variant Classification Summary - May 2015. Collection method: clinical testing. Allele origin: germline.
Comment: Variant summary: GEMIN5 c.2867-9T>G alters a non-conserved nucleotide located at a position not widely known to affect splicing. Several computational tools predict a significant impact on normal splicing: Two predict the variant abolishes a 3' acceptor site. One predict the variant weakens a 3' acceptor site. One predict the variant no significant impact on splicing. However, these predictions have yet to be confirmed by functional studies. The variant was absent in 249592 control chromosomes. The available data on variant occurrences in the general population are insufficient to allow any conclusion about variant significance. To our knowledge, no occurrence of c.2867-9T>G in individuals affected with GEMIN5-Related Disorder and no experimental evidence demonstrating its impact on protein function have been reported. No submitters have cited clinical-significance assessments for this variant to ClinVar. Based on the evidence outlined above, the variant was classified as uncertain significance.